The following is an entry in ClinVar:

NM_001042603.3(KDM5A):c.4025A>G (p.Glu1342Gly)

Genes: KDM5A (lysine demethylase 5A; minus strand), LOC126861410 (BRD4-independent group 4 enhancer GRCh37_chr12:415875-417074; plus strand). Cytogenetic location: 12p13.33.
Variant type: single nucleotide variant.
Coding change: c.4025A>G on transcript NM_001042603.3 (MANE Select); coding-DNA position 4025, A replaced by G.
Protein change: p.Glu1342Gly; replaces glutamic acid 1342 with glycine.
Molecular consequence: missense variant.
Genome position (GRCh38, 1-based): chr12:306,995, T>C on the plus strand (A>G on the coding strand, the complement: KDM5A is on the minus strand). VCF-style: chr12-306995-T-C. GRCh37 (hg19) VCF-style: chr12-416161-T-C.
Other names: short protein forms E1342G.
Identifiers: ClinVar variation 1310349 (VCV001310349.3), dbSNP rs2137386741, ClinGen allele CA383629827.

ClinVar aggregate classification (germline): Uncertain significance (1 of 4 stars; one submission).

Submission:

GeneDx
Classification: Uncertain significance. Last evaluated: 2025-08-07. Review status: criteria provided, single submitter. Criteria: GeneDx Variant Classification Process June 2021. Collection method: clinical testing. Allele origin: germline. Affected: yes.
Comment: Has not been previously published as pathogenic or benign to our knowledge; Not observed at significant frequency in large population cohorts (gnomAD); In silico analysis suggests that this missense variant does not alter protein structure/function